The following is an entry in ClinVar:

ClinVar aggregate classification (germline): Likely benign (1 of 4 stars; one submission).

gnomAD v4.1: 25 of 1,613,214 alleles (0.0015%); highest among the groups gnomAD compares: South Asian, 0.0033%; no homozygotes.

Submission:

CeGaT Center for Human Genetics Tuebingen
Classification: Likely benign. Last evaluated: 2026-02-01. Review status: criteria provided, single submitter. Criteria: CeGaT Center For Human Genetics Tuebingen Variant Classification Criteria Version 2. Collection method: clinical testing. Allele origin: germline. Affected: yes. Observed: 1 variant allele.
Comment: RFX7: BP4, BP7

NM_022841.7(RFX7):c.360G>A (p.Pro120=)

Gene: RFX7 (regulatory factor X7; minus strand). Cytogenetic location: 15q21.3.
Variant type: single nucleotide variant.
Coding change: c.360G>A on transcript NM_022841.7 (MANE Select); coding-DNA position 360, G replaced by A.
Protein change: p.Pro120=; no amino-acid change (proline 120 retained).
Molecular consequence: synonymous variant.
Genome position (GRCh38, 1-based): chr15:56,142,819, C>T on the plus strand (G>A on the coding strand, the complement: RFX7 is on the minus strand). VCF-style: chr15-56142819-C-T. GRCh37 (hg19) VCF-style: chr15-56435017-C-T.
Other names: c.69G>A, p.Pro23= (NM_001368073.2, NM_001368074.1, NM_001370554.1); c.360G>A, p.Pro120= (NM_001370561.1).
Identifiers: ClinVar variation 4821896 (VCV004821896.4).
Genomic context (GRCh38, chr15:56,142,819, plus strand): 5'-TATTACACATACTACTTACTTGTACTCATCATAGACTTCCTGTTTGGGCAGTGAAGTCTC[C>T]GGATGTTCCTCTAGGGTATTCCGAATCCAGGAAAAGGCATGCATTTGTTGTGCCCGACTA-3'
Protein context (NP_073752.6, residues 110-130): SWIRNTLEEH[Pro120=]ETSLPKQEVY